The following is an entry in ClinVar:

ClinVar aggregate classification (germline): Uncertain significance. Review status: criteria provided, multiple submitters, no conflicts (2 of 4 stars). 4 submissions from 4 submitters: Uncertain significance (4). Last evaluated 2024-08-12.

Conditions:
Nephronophthisis. Also called: Juvenile Nephronophthisis. Identifiers: Orphanet 655, MedGen C0687120, MONDO:0019005, HP:0000090.
Senior-Loken syndrome 5 (SLSN5). Identifiers: Orphanet 3156, MedGen C1836517, MONDO:0012225, OMIM 609254.

Allele frequency attached by ClinVar (database versions not stated): gnomAD 0.00003 and 0.00004; gnomAD exomes 0.00003 and 0.00004; TOPMed 0.00004; ExAC 0.00005.
gnomAD v4.1: 50 of 1,613,714 alleles (0.0031%); highest among the groups gnomAD compares: Middle Eastern, 0.017%; no homozygotes.

Submissions (4):

Labcorp Genetics (formerly Invitae), Labcorp
Classification: Uncertain significance for Nephronophthisis. Last evaluated: 2024-08-12. Review status: criteria provided, single submitter. Criteria: Invitae Variant Classification Sherloc (09022015). Collection method: clinical testing. Allele origin: germline.
Comment: This sequence change replaces arginine, which is basic and polar, with glutamine, which is neutral and polar, at codon 384 of the IQCB1 protein (p.Arg384Gln). This variant is present in population databases (rs773223673, gnomAD 0.007%). This variant has not been reported in the literature in individuals affected with IQCB1-related conditions. ClinVar contains an entry for this variant (Variation ID: 964484). Advanced modeling of protein sequence and biophysical properties (such as structural, functional, and spatial information, amino acid conservation, physicochemical variation, residue mobility, and thermodynamic stability) performed at Invitae indicates that this missense variant is not expected to disrupt IQCB1 protein function with a negative predictive value of 80%. Algorithms developed to predict the effect of sequence changes on RNA splicing suggest that this variant may disrupt the consensus splice site. In summary, the available evidence is currently insufficient to determine the role of this variant in disease. Therefore, it has been classified as a Variant of Uncertain Significance.

Fulgent Genetics
Classification: Uncertain significance for Senior-Loken syndrome 5. Last evaluated: 2024-01-17. Review status: criteria provided, single submitter. Criteria: ACMG Guidelines, 2015. Collection method: clinical testing. Allele origin: germline.

Blueprint Genetics
Classification: Uncertain significance. Last evaluated: 2022-12-13. Review status: criteria provided, single submitter. Criteria: ACMG Guidelines, 2015. Collection method: clinical testing. Allele origin: germline.

Breakthrough Genomics
Classification: Uncertain significance. Review status: criteria provided, single submitter. Criteria: ACMG Guidelines, 2015. Collection method: not provided. Allele origin: germline. Inheritance: Autosomal recessive inheritance. Affected: yes.

NM_001023570.4(IQCB1):c.1151G>A (p.Arg384Gln)

Gene: IQCB1 (IQ motif containing B1; minus strand). Cytogenetic location: 3q13.33.
Variant type: single nucleotide variant.
Coding change: c.1151G>A on transcript NM_001023570.4 (MANE Select); coding-DNA position 1151, G replaced by A.
Protein change: p.Arg384Gln; replaces arginine 384 with glutamine.
Molecular consequence: missense variant. On other transcripts: non-coding transcript variant (1).
Genome position (GRCh38, 1-based): chr3:121,788,411, C>T on the plus strand (G>A on the coding strand, the complement: IQCB1 is on the minus strand). VCF-style: chr3-121788411-C-T. GRCh37 (hg19) VCF-style: chr3-121507258-C-T.
Other names: c.752G>A, p.Arg251Gln (NM_001023571.4); c.1151G>A, p.Arg384Gln (NM_001319107.2); short protein forms R384Q, R251Q.
Identifiers: ClinVar variation 964484 (VCV000964484.10), dbSNP rs773223673, ClinGen allele CA2567179.